The following is an entry in ClinVar:

ClinVar aggregate classification (germline): Pathogenic. Review status: criteria provided, multiple submitters, no conflicts (2 of 4 stars). 2 submissions from 2 submitters: Pathogenic (2). Last evaluated 2025-02-03.

Submissions (2):

Labcorp Genetics (formerly Invitae), Labcorp
Classification: Pathogenic. Last evaluated: 2025-02-03. Review status: criteria provided, single submitter. Criteria: Invitae Variant Classification Sherloc (09022015). Collection method: clinical testing. Allele origin: germline.
Comment: This sequence change creates a premature translational stop signal (p.Asp550Alafs*59) in the OPA1 gene. It is expected to result in an absent or disrupted protein product. Loss-of-function variants in OPA1 are known to be pathogenic (PMID: 11440988, 20157015, 20952381, 25012220). This variant is not present in population databases (gnomAD no frequency). This variant has not been reported in the literature in individuals affected with OPA1-related conditions. ClinVar contains an entry for this variant (Variation ID: 419817). For these reasons, this variant has been classified as Pathogenic.

GeneDx
Classification: Pathogenic. Last evaluated: 2024-05-15. Review status: criteria provided, single submitter. Criteria: GeneDx Variant Classification Process June 2021. Collection method: clinical testing. Allele origin: germline. Affected: yes.
Comment: Frameshift variant predicted to result in protein truncation or nonsense mediated decay in a gene for which loss of function is a known mechanism of disease; Not observed at significant frequency in large population cohorts (gnomAD); Has not been previously published as pathogenic or benign to our knowledge

Literature cited by the submitters: PubMed 11440988 (cited by Labcorp Genetics (formerly Invitae), Labcorp); PubMed 20157015 (cited by Labcorp Genetics (formerly Invitae), Labcorp); PubMed 20952381 (cited by Labcorp Genetics (formerly Invitae), Labcorp); PubMed 25012220 (cited by Labcorp Genetics (formerly Invitae), Labcorp).

NM_130837.3(OPA1):c.1814del (p.Asp605fs)

Genes: OPA1 (OPA1 mitochondrial dynamin like GTPase; plus strand), LOC126806913 (BRD4-independent group 4 enhancer GRCh37_chr3:193364377-193365576; plus strand). Cytogenetic location: 3q29.
Variant type: Deletion.
Coding change: c.1814del on transcript NM_130837.3 (MANE Select); coding-DNA position 1814, one base deleted (A; older notation c.1814delA).
Protein change: p.Asp605fs; shifts the reading frame from aspartic acid 605.
Molecular consequence: frameshift variant.
Genome position (GRCh38, 1-based): chr3:193,647,124, A deleted. VCF-style (leftmost placement, unchanged base first): chr3-193647123-GA-G. GRCh37 (hg19) VCF-style: chr3-193364912-GA-G.
Other names: c.1649delA (NM_015560.2); c.1280del, p.Asp427fs (NM_001354663.2); c.1277del, p.Asp426fs (NM_001354664.2); c.1649del, p.Asp550fs (NM_015560.3); c.1541del, p.Asp514fs (NM_130831.3); c.1595del, p.Asp532fs (NM_130832.3); c.1652del, p.Asp551fs (NM_130833.3); c.1703del, p.Asp568fs (NM_130834.3); and 3 more; short protein forms D427fs, D514fs, D532fs, D550fs, D426fs, D568fs, D569fs, D587fs.
Identifiers: ClinVar variation 419817 (VCV000419817.4), dbSNP rs1064794125, ClinGen allele CA16617865.